The following is an entry in ClinVar:

NM_014141.6(CNTNAP2):c.1402A>T (p.Asn468Tyr)

Gene: CNTNAP2 (contactin associated protein 2; plus strand). Cytogenetic location: 7q35.
Variant type: single nucleotide variant.
Coding change: c.1402A>T on transcript NM_014141.6 (MANE Select); coding-DNA position 1402, A replaced by T.
Protein change: p.Asn468Tyr; replaces asparagine 468 with tyrosine.
Molecular consequence: missense variant.
Genome position (GRCh38, 1-based): chr7:147,300,194, A>T. VCF-style: chr7-147300194-A-T. GRCh37 (hg19) VCF-style: chr7-146997286-A-T.
Other names: short protein forms N468Y.
Identifiers: ClinVar variation 1483296 (VCV001483296.27), dbSNP rs1358247051, ClinGen allele CA369925149.

ClinVar aggregate classification (germline): Uncertain significance. Review status: criteria provided, multiple submitters, no conflicts (2 of 4 stars). 2 submissions from 2 submitters: Uncertain significance (2). Last evaluated 2024-05-09.

Conditions:
Cortical dysplasia-focal epilepsy syndrome (PTHSL1). Also called: Pitt-Hopkins-like syndrome 1. Identifiers: Orphanet 163681, Orphanet 221150, MedGen C2750246, MONDO:0012400, OMIM 610042.

Allele frequency attached by ClinVar (database versions not stated): gnomAD exomes below 0.00001; TOPMed below 0.00001; gnomAD 0.00001.
gnomAD v4.1: 3 of 1,613,924 alleles (0.00019%); highest among the groups gnomAD compares: Non-Finnish European, 0.00025%; no homozygotes.

Submissions (2):

Labcorp Genetics (formerly Invitae), Labcorp
Classification: Uncertain significance for Cortical dysplasia-focal epilepsy syndrome. Last evaluated: 2024-05-09. Review status: criteria provided, single submitter. Criteria: Invitae Variant Classification Sherloc (09022015). Collection method: clinical testing. Allele origin: germline.
Comment: This sequence change replaces asparagine, which is neutral and polar, with tyrosine, which is neutral and polar, at codon 468 of the CNTNAP2 protein (p.Asn468Tyr). This variant is not present in population databases (gnomAD no frequency). This variant has not been reported in the literature in individuals affected with CNTNAP2-related conditions. ClinVar contains an entry for this variant (Variation ID: 1483296). An algorithm developed to predict the effect of missense changes on protein structure and function (PolyPhen-2) suggests that this variant is likely to be disruptive. In summary, the available evidence is currently insufficient to determine the role of this variant in disease. Therefore, it has been classified as a Variant of Uncertain Significance.

CeGaT Center for Human Genetics Tuebingen
Classification: Uncertain significance. Last evaluated: 2023-12-01. Review status: criteria provided, single submitter. Criteria: CeGaT Center For Human Genetics Tuebingen Variant Classification Criteria Version 2. Collection method: clinical testing. Allele origin: germline. Affected: yes. Observed: 1 variant allele.
Comment: CNTNAP2: PM2, PP3